The following is an entry in ClinVar:

NM_016038.4(SBDS):c.415G>A (p.Asp139Asn)

Gene: SBDS (SBDS ribosome maturation factor; minus strand). Cytogenetic location: 7q11.21.
Variant type: single nucleotide variant.
Coding change: c.415G>A on transcript NM_016038.4 (MANE Select); coding-DNA position 415, G replaced by A.
Protein change: p.Asp139Asn; replaces aspartic acid 139 with asparagine.
Molecular consequence: missense variant.
Genome position (GRCh38, 1-based): chr7:66,993,261, C>T on the plus strand (G>A on the coding strand, the complement: SBDS is on the minus strand). VCF-style: chr7-66993261-C-T. GRCh37 (hg19) VCF-style: chr7-66458248-C-T.
Other names: short protein forms D139N.
Identifiers: ClinVar variation 3792757 (VCV003792757.1).
Genomic context (GRCh38, chr7:66,993,261, plus strand): 5'-ATGAGAAACCACTCACCTGCTGTTTTGTACTCTTGTTGGTTTTCACCGAATAGTGGATGT[C>T]CTTCATGGCTCTCTCAATAAGGATCACGGTGTATGGTCTCTTTGTTTCAGGATTCACACA-3'
Protein context (NP_057122.2, residues 129-149): TVILIERAMK[Asp139Asn]IHYSVKTNKS

ClinVar aggregate classification (germline): Uncertain significance (1 of 4 stars; one submission).

Conditions:
Inborn genetic diseases. Identifiers: MedGen C0950123, MeSH D030342.

Submission:

Ambry Genetics
Classification: Uncertain significance for Inborn genetic diseases. Last evaluated: 2025-03-12. Review status: criteria provided, single submitter. Criteria: Ambry Variant Classification Scheme 2023. Collection method: clinical testing. Allele origin: germline.
Comment: The p.D139N variant (also known as c.415G>A), located in coding exon 3 of the SBDS gene, results from a G to A substitution at nucleotide position 415. The aspartic acid at codon 139 is replaced by asparagine, an amino acid with highly similar properties. This amino acid position is conserved. In addition, the in silico prediction for this alteration is inconclusive. Based on the available evidence, the clinical significance of this variant remains unclear.